The following is an entry in ClinVar:

NM_001318852.2(MAPK8IP3):c.3927A>G (p.Ala1309=)

Gene: MAPK8IP3 (mitogen-activated protein kinase 8 interacting protein 3; plus strand). Cytogenetic location: 16p13.3.
Variant type: single nucleotide variant.
Coding change: c.3927A>G on transcript NM_001318852.2 (MANE Select); coding-DNA position 3927, A replaced by G.
Protein change: p.Ala1309=; no amino-acid change (alanine 1309 retained).
Molecular consequence: synonymous variant.
Genome position (GRCh38, 1-based): chr16:1,768,737, A>G. VCF-style: chr16-1768737-A-G. GRCh37 (hg19) VCF-style: chr16-1818738-A-G.
Other names: c.3906A>G, p.Ala1302= (NM_001040439.2); c.3924A>G, p.Ala1308= (NM_015133.5).
Identifiers: ClinVar variation 5040082 (VCV005040082.1).

ClinVar aggregate classification (germline): Likely benign (1 of 4 stars; one submission).

gnomAD v4.1: 9 of 1,612,618 alleles (0.00056%); highest among the groups gnomAD compares: South Asian, 0.0055%; no homozygotes.

Submission:

CeGaT Center for Human Genetics Tuebingen
Classification: Likely benign. Last evaluated: 2026-07-01. Review status: criteria provided, single submitter. Criteria: CeGaT Center For Human Genetics Tuebingen Variant Classification Criteria Version 2. Collection method: clinical testing. Allele origin: germline. Affected: yes. Observed: 1 variant allele.
Comment: MAPK8IP3: BP4, BP7